The following is an entry in ClinVar:

ClinVar aggregate classification (germline): Uncertain significance (1 of 4 stars; one submission).

Conditions:
Pitt-Hopkins-like syndrome 2 (PTHSL2). Identifiers: Orphanet 221150, Orphanet 600663, MedGen C3280479, MONDO:0013690, OMIM 614325.

Allele frequency attached by ClinVar (database versions not stated): gnomAD exomes below 0.00001.
gnomAD v4.1: 3 of 1,613,130 alleles (0.00019%); highest among the groups gnomAD compares: Non-Finnish European, 0.00025%; no homozygotes.

Submission:

Labcorp Genetics (formerly Invitae), Labcorp
Classification: Uncertain significance for Pitt-Hopkins-like syndrome 2. Last evaluated: 2023-07-29. Review status: criteria provided, single submitter. Criteria: Invitae Variant Classification Sherloc (09022015). Collection method: clinical testing. Allele origin: germline.
Comment: In summary, the available evidence is currently insufficient to determine the role of this variant in disease. Therefore, it has been classified as a Variant of Uncertain Significance. An algorithm developed to predict the effect of missense changes on protein structure and function (PolyPhen-2) suggests that this variant is likely to be disruptive. ClinVar contains an entry for this variant (Variation ID: 1946671). This variant has not been reported in the literature in individuals affected with NRXN1-related conditions. This variant is not present in population databases (gnomAD no frequency). This sequence change replaces proline, which is neutral and non-polar, with serine, which is neutral and polar, at codon 835 of the NRXN1 protein (p.Pro835Ser).

NM_001330078.2(NRXN1):c.2383C>T (p.Pro795Ser)

Gene: NRXN1 (neurexin 1; minus strand). Cytogenetic location: 2p16.3.
Variant type: single nucleotide variant.
Coding change: c.2383C>T on transcript NM_001330078.2 (MANE Select); coding-DNA position 2383, C replaced by T.
Protein change: p.Pro795Ser; replaces proline 795 with serine.
Molecular consequence: missense variant.
Genome position (GRCh38, 1-based): chr2:50,506,609, G>A on the plus strand (C>T on the coding strand, the complement: NRXN1 is on the minus strand). VCF-style: chr2-50506609-G-A. GRCh37 (hg19) VCF-style: chr2-50733747-G-A.
Other names: c.2503C>T, p.Pro835Ser (NM_001135659.3); c.2359C>T, p.Pro787Ser (NM_001330077.2, NM_001330082.2); c.2317C>T, p.Pro773Ser (NM_001330083.2, NM_001330084.2); c.2356C>T, p.Pro786Ser (NM_001330085.2); c.2383C>T, p.Pro795Ser (NM_001330086.2, NM_004801.6); c.2272C>T, p.Pro758Ser (NM_001330087.2, NM_001330096.2); c.2302C>T, p.Pro768Ser (NM_001330088.2); c.2380C>T, p.Pro794Ser (NM_001330093.2); and 2 more; short protein forms P795S, P835S, P758S, P794S, P773S, P787S, P791S, P768S.
Identifiers: ClinVar variation 1946671 (VCV001946671.5), dbSNP rs2469001672, ClinGen allele CA346778064.
Genomic context (GRCh38, chr2:50,506,609, plus strand): 5'-CTACACGCACTGTGTGCCACTCGTTATCATTGAGGTTATAGCCAGCAAAAAGAGTCTCGG[G>A]ACCTTTGCCTGTAGAATATGCCAAACAGTCATTATGGACACTCAGAATCAGTCAAGCAAA-3'
Protein context (NP_001317007.1, residues 785-805): IRINCNSSKG[Pro795Ser]ETLFAGYNLN